The following is an entry in ClinVar:

ClinVar aggregate classification (germline): Uncertain significance. Review status: criteria provided, multiple submitters, no conflicts (2 of 4 stars). 2 submissions from 2 submitters: Uncertain significance (2). Last evaluated 2025-01-22.

Allele frequency attached by ClinVar (database versions not stated): gnomAD 0.00001; TOPMed 0.00001.

Submissions (2):

Mayo Clinic Laboratories, Mayo Clinic
Classification: Uncertain significance. Last evaluated: 2025-01-22. Review status: criteria provided, single submitter. Criteria: ACMG Guidelines, 2015. Collection method: clinical testing. Allele origin: germline. Observed: 1 variant allele.
Comment: BP4

Labcorp Genetics (formerly Invitae), Labcorp
Classification: Uncertain significance. Last evaluated: 2022-11-30. Review status: criteria provided, single submitter. Criteria: Invitae Variant Classification Sherloc (09022015). Collection method: clinical testing. Allele origin: germline.
Comment: This variant has not been reported in the literature in individuals affected with NEFH-related conditions. Advanced modeling of protein sequence and biophysical properties (such as structural, functional, and spatial information, amino acid conservation, physicochemical variation, residue mobility, and thermodynamic stability) performed at Invitae indicates that this missense variant is not expected to disrupt NEFH protein function. In summary, the available evidence is currently insufficient to determine the role of this variant in disease. Therefore, it has been classified as a Variant of Uncertain Significance. This variant is not present in population databases (gnomAD no frequency). This sequence change replaces valine, which is neutral and non-polar, with leucine, which is neutral and non-polar, at codon 91 of the NEFH protein (p.Val91Leu).

NM_021076.4(NEFH):c.271G>C (p.Val91Leu)

Gene: NEFH (neurofilament heavy chain; plus strand). Cytogenetic location: 22q12.2.
Variant type: single nucleotide variant.
Coding change: c.271G>C on transcript NM_021076.4 (MANE Select); coding-DNA position 271, G replaced by C.
Protein change: p.Val91Leu; replaces valine 91 with leucine.
Molecular consequence: missense variant.
Genome position (GRCh38, 1-based): chr22:29,480,533, G>C. VCF-style: chr22-29480533-G-C. GRCh37 (hg19) VCF-style: chr22-29876522-G-C.
Other names: p.Val91Leu; short protein forms V91L.
Identifiers: ClinVar variation 2976160 (VCV002976160.4), dbSNP rs1191680062, ClinGen allele CA411122332.
Genomic context (GRCh38, chr22:29,480,533, plus strand): 5'-GCCTCAAGCACCGACTCGCTGGACACGCTGAGCAACGGGCCGGAGGGCTGCATGGTGGCG[G>C]TGGCCACCTCACGCAGTGAGAAGGAGCAGCTGCAGGCGCTGAACGACCGCTTCGCCGGGT-3'
Protein context (NP_066554.2, residues 81-101): SNGPEGCMVA[Val91Leu]ATSRSEKEQL